The following is an entry in ClinVar:

NM_000075.4(CDK4):c.893A>G (p.Asp298Gly)

Genes: CDK4 (cyclin dependent kinase 4; minus strand), TSPAN31 (tetraspanin 31; plus strand). Cytogenetic location: 12q14.1.
Variant type: single nucleotide variant.
Coding change: c.893A>G on transcript NM_000075.4 (MANE Select); coding-DNA position 893, A replaced by G.
Protein change: p.Asp298Gly; replaces aspartic acid 298 with glycine.
Molecular consequence: missense variant. On other transcripts: 3 prime UTR variant (3).
Genome position (GRCh38, 1-based): chr12:57,748,544, T>C on the plus strand (A>G on the coding strand, the complement: CDK4 is on the minus strand). VCF-style: chr12-57748544-T-C. GRCh37 (hg19) VCF-style: chr12-58142327-T-C.
Other names: c.893A>G (NM_000075.3); c.*1254T>C (NM_001330168.2, NM_001330169.2, NM_005981.5); short protein forms D298G.
Identifiers: ClinVar variation 3637623 (VCV003637623.3).

ClinVar aggregate classification (germline): Uncertain significance. Review status: criteria provided, multiple submitters, no conflicts (2 of 4 stars). 2 submissions from 2 submitters: Uncertain significance (2). Last evaluated 2025-08-28.

Conditions:
Familial melanoma. Also called: Hereditary melanoma; Hereditary cutaneous melanoma. Identifiers: Orphanet 618, MedGen C1512419, MONDO:0018961.
Hereditary cancer-predisposing syndrome. Also called: Hereditary neoplastic syndrome; Tumor predisposition; Hereditary Cancer Syndrome; Neoplastic Syndromes, Hereditary. Identifiers: Orphanet 140162, MedGen C0027672, MeSH D009386, MONDO:0015356.

Submissions (2):

Ambry Genetics
Classification: Uncertain significance for Hereditary cancer-predisposing syndrome. Last evaluated: 2025-08-28. Review status: criteria provided, single submitter. Criteria: Ambry Variant Classification Scheme 2023. Collection method: clinical testing. Allele origin: germline.
Comment: The p.D298G variant (also known as c.893A>G), located in coding exon 7 of the CDK4 gene, results from an A to G substitution at nucleotide position 893. The aspartic acid at codon 298 is replaced by glycine, an amino acid with similar properties. This amino acid position is poorly conserved in available vertebrate species. In addition, this alteration is predicted to be tolerated by in silico analysis. Based on the available evidence, the clinical significance of this variant remains unclear.

Labcorp Genetics (formerly Invitae), Labcorp
Classification: Uncertain significance for Familial melanoma. Last evaluated: 2024-10-10. Review status: criteria provided, single submitter. Criteria: Invitae Variant Classification Sherloc (09022015). Collection method: clinical testing. Allele origin: germline.
Comment: This sequence change replaces aspartic acid, which is acidic and polar, with glycine, which is neutral and non-polar, at codon 298 of the CDK4 protein (p.Asp298Gly). This variant is not present in population databases (gnomAD no frequency). This variant has not been reported in the literature in individuals affected with CDK4-related conditions. Invitae Evidence Modeling of protein sequence and biophysical properties (such as structural, functional, and spatial information, amino acid conservation, physicochemical variation, residue mobility, and thermodynamic stability) indicates that this missense variant is not expected to disrupt CDK4 protein function with a negative predictive value of 95%. In summary, the available evidence is currently insufficient to determine the role of this variant in disease. Therefore, it has been classified as a Variant of Uncertain Significance.